The following is an entry in ClinVar:

ClinVar aggregate classification (germline): Uncertain significance (1 of 4 stars; one submission).

Allele frequency attached by ClinVar (database versions not stated): gnomAD exomes below 0.00001 and 0.00001; ExAC 0.00001; gnomAD 0.00003; TOPMed 0.00003.
gnomAD v4.1: 23 of 1,613,850 alleles (0.0014%); highest among the groups gnomAD compares: Non-Finnish European, 0.0018%; no homozygotes.

Submission:

Labcorp Genetics (formerly Invitae), Labcorp
Classification: Uncertain significance. Last evaluated: 2024-10-28. Review status: criteria provided, single submitter. Criteria: Invitae Variant Classification Sherloc (09022015). Collection method: clinical testing. Allele origin: germline.
Comment: This sequence change replaces arginine, which is basic and polar, with glutamine, which is neutral and polar, at codon 1559 of the NBAS protein (p.Arg1559Gln). This variant is present in population databases (rs751871361, gnomAD 0.0008%). This variant has not been reported in the literature in individuals affected with NBAS-related conditions. ClinVar contains an entry for this variant (Variation ID: 1474698). Invitae Evidence Modeling of protein sequence and biophysical properties (such as structural, functional, and spatial information, amino acid conservation, physicochemical variation, residue mobility, and thermodynamic stability) indicates that this missense variant is not expected to disrupt NBAS protein function with a negative predictive value of 95%. In summary, the available evidence is currently insufficient to determine the role of this variant in disease. Therefore, it has been classified as a Variant of Uncertain Significance.

NM_015909.4(NBAS):c.4676G>A (p.Arg1559Gln)

Gene: NBAS (NBAS subunit of NRZ tethering complex; minus strand). Cytogenetic location: 2p24.3.
Variant type: single nucleotide variant.
Coding change: c.4676G>A on transcript NM_015909.4 (MANE Select); coding-DNA position 4676, G replaced by A.
Protein change: p.Arg1559Gln; replaces arginine 1559 with glutamine.
Molecular consequence: missense variant. On other transcripts: non-coding transcript variant (1).
Genome position (GRCh38, 1-based): chr2:15,308,337, C>T on the plus strand (G>A on the coding strand, the complement: NBAS is on the minus strand). VCF-style: chr2-15308337-C-T. GRCh37 (hg19) VCF-style: chr2-15448461-C-T.
Other names: short protein forms R1559Q.
Identifiers: ClinVar variation 1474698 (VCV001474698.5), dbSNP rs751871361, ClinGen allele CA1535543.
Genomic context (GRCh38, chr2:15,308,337, plus strand): 5'-CTATAGTAATACGCTGCCAGCTGGAGAGATAATGCAGAGGGGGACTGCTTTTCAAAGCAC[C>T]GGTTAGCATCTAACACCTAGGAGGGAACATGTTAGAATTAACTCAGCTGAAAGGAAATTA-3'
Protein context (NP_056993.2, residues 1549-1569): LALPQVLDAN[Arg1559Gln]CFEKQSPSAL